The following is an entry in ClinVar:

NM_001457.4(FLNB):c.3127-269T>C

Gene: FLNB (filamin B; plus strand). Cytogenetic location: 3p14.3.
Variant type: single nucleotide variant.
Coding change: c.3127-269T>C on transcript NM_001457.4 (MANE Select); 269 bases into the intron before coding-DNA position 3127, T replaced by C.
Molecular consequence: intron variant.
Genome position (GRCh38, 1-based): chr3:58,122,824, T>C. VCF-style: chr3-58122824-T-C. GRCh37 (hg19) VCF-style: chr3-58108551-T-C.
Other names: c.3127-269T>C (NM_001164317.2, NM_001164318.2, NM_001164319.2).
Identifiers: ClinVar variation 683107 (VCV000683107.1), dbSNP rs12488642, ClinGen allele CA15253426.
Genomic context (GRCh38, chr3:58,122,824, plus strand): 5'-TCTTTGTTGGAATGGACATTAGGTTTCCAAGTCCAGGCCTGTGATTTAGAAGGGTCAGGT[T>C]GGGTAGGAGAGAGGAGAGTCTTGGAGGGGCTGCTCCATGGGGGTCACACCTCTCTCCTGT-3'

ClinVar aggregate classification (germline): Benign (1 of 4 stars; one submission).

Allele frequency attached by ClinVar (database versions not stated): gnomAD 0.48215 and 0.48982; TOPMed 0.51428; 1000 Genomes Project 30x 0.67786; 1000 Genomes Project 0.68011.
gnomAD v4.1: 74,361 of 151,986 alleles (49%); highest among the groups gnomAD compares: East Asian, 97%; 21,085 homozygotes.

Submission:

GeneDx
Classification: Benign. Last evaluated: 2018-06-14. Review status: criteria provided, single submitter. Criteria: GeneDx Variant Classification (06012015). Collection method: clinical testing. Allele origin: germline. Affected: yes.
Comment: This variant is considered likely benign or benign based on one or more of the following criteria: it is a conservative change, it occurs at a poorly conserved position in the protein, it is predicted to be benign by multiple in silico algorithms, and/or has population frequency not consistent with disease.